The following is an entry in ClinVar:

ClinVar aggregate classification (germline): Uncertain significance (1 of 4 stars; one submission).

Submission:

Labcorp Genetics (formerly Invitae), Labcorp
Classification: Uncertain significance. Last evaluated: 2022-06-22. Review status: criteria provided, single submitter. Criteria: Invitae Variant Classification Sherloc (09022015). Collection method: clinical testing. Allele origin: germline.
Comment: In summary, the available evidence is currently insufficient to determine the role of this variant in disease. Therefore, it has been classified as a Variant of Uncertain Significance. Algorithms developed to predict the effect of missense changes on protein structure and function (SIFT, PolyPhen-2, Align-GVGD) all suggest that this variant is likely to be disruptive. This variant has not been reported in the literature in individuals affected with SLC24A1-related conditions. This variant is not present in population databases (gnomAD no frequency). This sequence change replaces tyrosine, which is neutral and polar, with histidine, which is basic and polar, at codon 596 of the SLC24A1 protein (p.Tyr596His).

NM_004727.3(SLC24A1):c.1786T>C (p.Tyr596His)

Gene: SLC24A1 (solute carrier family 24 member 1; plus strand). Cytogenetic location: 15q22.31.
Variant type: single nucleotide variant.
Coding change: c.1786T>C on transcript NM_004727.3 (MANE Select); coding-DNA position 1786, T replaced by C.
Protein change: p.Tyr596His; replaces tyrosine 596 with histidine.
Molecular consequence: missense variant.
Genome position (GRCh38, 1-based): chr15:65,625,866, T>C. VCF-style: chr15-65625866-T-C. GRCh37 (hg19) VCF-style: chr15-65918204-T-C.
Other names: c.1786T>C, p.Tyr596His (NM_001301031.1, NM_001301032.1, NM_001301033.2 and 1 more transcripts); short protein forms Y596H.
Identifiers: ClinVar variation 2007028 (VCV002007028.4), dbSNP rs2548360829, ClinGen allele CA392918622.
Genomic context (GRCh38, chr15:65,625,866, plus strand): 5'-TTCCTGGACAGCCTCATTGCCTGGTGGGAGAGCCTGCTGCTGCTGCTGGCCTATGCCTTC[T>C]ATGTGTTCACCATGAAGTGGAACAAGCATATCGAGGTCTGGGTGAAGGAGCAGCTCAGCA-3'
Protein context (NP_004718.1, residues 586-606): SLLLLLAYAF[Tyr596His]VFTMKWNKHI